The following is an entry in ClinVar:

NM_017654.4(SAMD9):c.4585C>T (p.Arg1529Cys)

Gene: SAMD9 (sterile alpha motif domain containing 9; minus strand). Cytogenetic location: 7q21.2.
Variant type: single nucleotide variant.
Coding change: c.4585C>T on transcript NM_017654.4 (MANE Select); coding-DNA position 4585, C replaced by T.
Protein change: p.Arg1529Cys; replaces arginine 1529 with cysteine.
Molecular consequence: missense variant.
Genome position (GRCh38, 1-based): chr7:93,101,513, G>A on the plus strand (C>T on the coding strand, the complement: SAMD9 is on the minus strand). VCF-style: chr7-93101513-G-A. GRCh37 (hg19) VCF-style: chr7-92730826-G-A.
Other names: c.4585C>T, p.Arg1529Cys (NM_001193307.2); short protein forms R1529C.
Identifiers: ClinVar variation 4694231 (VCV004694231.1).

ClinVar aggregate classification (germline): Uncertain significance (1 of 4 stars; one submission).

gnomAD v4.1: 1 of 1,613,640 alleles (0.000062%); highest among the groups gnomAD compares: South Asian, 0.0011%; no homozygotes.

Submission:

Labcorp Genetics (formerly Invitae), Labcorp
Classification: Uncertain significance. Last evaluated: 2025-12-22. Review status: criteria provided, single submitter. Criteria: Invitae Variant Classification Sherloc (09022015). Collection method: clinical testing. Allele origin: germline.
Comment: This sequence change replaces arginine, which is basic and polar, with cysteine, which is neutral and slightly polar, at codon 1529 of the SAMD9 protein (p.Arg1529Cys). This variant is present in population databases (rs762323380, gnomAD 0.003%). This variant has not been reported in the literature in individuals affected with SAMD9-related conditions. Invitae Evidence Modeling of protein sequence and biophysical properties (such as structural, functional, and spatial information, amino acid conservation, physicochemical variation, residue mobility, and thermodynamic stability) has been performed for this missense variant. However, the output from this modeling did not meet the statistical confidence thresholds required to predict the impact of this variant on SAMD9 protein function. In summary, the available evidence is currently insufficient to determine the role of this variant in disease. Therefore, it has been classified as a Variant of Uncertain Significance.